The following is an entry in ClinVar:

ClinVar aggregate classification (germline): Uncertain significance (1 of 4 stars; one submission).

Submission:

GeneDx
Classification: Uncertain significance. Last evaluated: 2024-12-13. Review status: criteria provided, single submitter. Criteria: GeneDx Variant Classification Process June 2021. Collection method: clinical testing. Allele origin: germline. Affected: yes.
Comment: Not observed at significant frequency in large population cohorts (gnomAD); Frameshift variant predicted to result in abnormal protein length as the last 82 amino acids are replaced with 40 different amino acids; Has not been previously published as pathogenic or benign to our knowledge

NM_001287491.2(TET3):c.5136_5139dup (p.Lys1714fs)

Gene: TET3 (tet methylcytosine dioxygenase 3; plus strand). Cytogenetic location: 2p13.1.
Variant type: Duplication.
Coding change: c.5136_5139dup on transcript NM_001287491.2 (MANE Select); coding-DNA positions 5136 to 5139, 4 bases duplicated (GATG; older notation c.5136_5139dupGATG).
Protein change: p.Lys1714fs; shifts the reading frame from lysine 1714.
Molecular consequence: frameshift variant.
Genome position (GRCh38, 1-based): chr2:74,101,924-74,101,927, GATG duplicated. VCF-style (leftmost placement, unchanged base first): chr2-74101923-A-AGATG. GRCh37 (hg19) VCF-style: chr2-74329050-A-AGATG.
Other names: c.4857_4860dup, p.Lys1621fs (NM_001366022.1); short protein forms K1621fs, K1714fs.
Identifiers: ClinVar variation 3902967 (VCV003902967.1).